The following is an entry in ClinVar:

ClinVar aggregate classification (germline): Benign. Review status: criteria provided, multiple submitters, no conflicts (2 of 4 stars). 2 submissions from 2 submitters: Benign (2). Last evaluated 2018-06-14.

Allele frequency attached by ClinVar (database versions not stated): gnomAD exomes 0.00651; gnomAD 0.05935 and 0.06396; 1000 Genomes Project 0.06170; TOPMed 0.06636; 1000 Genomes Project 30x 0.06699.
gnomAD v4.1: 13,443 of 803,912 alleles (1.7%); highest among the groups gnomAD compares: African/African-American, 20%; 1,251 homozygotes.

Submissions (2):

GeneDx
Classification: Benign. Last evaluated: 2018-06-14. Review status: criteria provided, single submitter. Criteria: GeneDx Variant Classification (06012015). Collection method: clinical testing. Allele origin: germline. Affected: yes.
Comment: This variant is considered likely benign or benign based on one or more of the following criteria: it is a conservative change, it occurs at a poorly conserved position in the protein, it is predicted to be benign by multiple in silico algorithms, and/or has population frequency not consistent with disease.

Breakthrough Genomics
Classification: Benign. Review status: criteria provided, single submitter. Criteria: ACMG Guidelines, 2015. Collection method: not provided. Allele origin: germline. Inheritance: Autosomal dominant inheritance. Affected: yes.

NM_001148.6(ANK2):c.384+119T>C

Gene: ANK2 (ankyrin 2; plus strand). Cytogenetic location: 4q25.
Variant type: single nucleotide variant.
Coding change: c.384+119T>C on transcript NM_001148.6 (MANE Select); 119 bases into the intron after coding-DNA position 384, T replaced by C.
Molecular consequence: intron variant.
Genome position (GRCh38, 1-based): chr4:113,199,228, T>C. VCF-style: chr4-113199228-T-C. GRCh37 (hg19) VCF-style: chr4-114120384-T-C.
Other names: c.372+119T>C (NM_001386186.2, NM_001386148.2, NM_001354269.3 and 1 more transcripts); c.366+119T>C (NM_001386147.1, NM_001386160.1, NM_001354261.2); c.321+119T>C (NM_001354254.2, NM_001354239.2, NM_001354252.2 and 33 more transcripts); c.429+119T>C (NM_001354241.2, NM_001386152.1, NM_001354237.2 and 5 more transcripts); c.384+119T>C (NM_001354225.2, NM_001354235.2, NM_001354246.2 and 9 more transcripts); c.435+119T>C (NM_001386174.1, NM_001386175.1).
Identifiers: ClinVar variation 673563 (VCV000673563.2), dbSNP rs76137023, ClinGen allele CA104499812.